The following is an entry in ClinVar:

NM_033380.3(COL4A5):c.2686G>A (p.Gly896Ser)

Gene: COL4A5 (collagen type IV alpha 5 chain; plus strand). Cytogenetic location: Xq22.3.
Variant type: single nucleotide variant.
Coding change: c.2686G>A on transcript NM_033380.3 (MANE Select); coding-DNA position 2686, G replaced by A.
Protein change: p.Gly896Ser; replaces glycine 896 with serine.
Molecular consequence: missense variant.
Genome position (GRCh38, 1-based): chrX:108,621,811, G>A. VCF-style: chrX-108621811-G-A. GRCh37 (hg19) VCF-style: chrX-107865041-G-A.
Other names: c.2686G>A, p.Gly896Ser (NM_000495.5); short protein forms G896S.
Identifiers: ClinVar variation 522413 (VCV000522413.10), dbSNP rs1556420349, ClinGen allele CA413851871.

ClinVar aggregate classification (germline): Pathogenic/Likely pathogenic. Review status: criteria provided, multiple submitters, no conflicts (2 of 4 stars). 4 submissions from 4 submitters: Pathogenic (1); Likely pathogenic (1). 2 of the submissions do not count toward it. Last evaluated 2024-08-19.

Conditions:
X-linked Alport syndrome (ATS1). Also called: COL4A5-Related Nephropathy; NEPHROPATHY AND DEAFNESS, X-LINKED. Identifiers: Orphanet 63, Orphanet 88917, MedGen C4746986, MONDO:0010520, OMIM 301050.
Alport syndrome. Also called: Hemorrhagic familial nephritis; Hemorrhagic hereditary nephritis; Congenital hereditary hematuria. Identifiers: Orphanet 63, MedGen C1567741, MONDO:0018965.

Submissions (4):

Natera, Inc.
Classification: Likely pathogenic for X-linked Alport syndrome. Last evaluated: 2024-08-19. Review status: criteria provided, single submitter. Criteria: Natera Variant Classification Schema (03/2026). Collection method: clinical testing. Allele origin: germline.
Comment: The c.2686G>A variant in COL4A5 is a missense variant predicted to cause substitution of glycine to serine at amino acid 896. This variant is rare in the general population with a frequency below the threshold expected for the associated phenotype(s). This variant has been observed in affected individual(s) with monoallelic occurrence (heterozygous/hemizygous) (PMID: 28844315). This variant is located in a functionally critical region of the protein. Computational prediction algorithms indicate this variant is likely to affect gene or protein function. Given the available evidence, this variant is classified as Likely Pathogenic.

Labcorp Genetics (formerly Invitae), Labcorp
Classification: Pathogenic. Last evaluated: 2021-08-26. Review status: criteria provided, single submitter. Criteria: Invitae Variant Classification Sherloc (09022015). Collection method: clinical testing. Allele origin: germline.
Comment: This missense change has been observed in individuals with clinical features of Alport syndrome (PMID: 28844315; Invitae). For these reasons, this variant has been classified as Pathogenic. This variant disrupts the triple helix domain of COL4A5. Glycine residues within the Gly-Xaa-Yaa repeats of the triple helix domain are required for the structure and stability of fibrillar collagens (PMID: 7695699, 8218237, 19344236). In COL4A5, missense variants at these glycine residues are significantly enriched in individuals with disease (PMID: 23720012, 27627812) compared to the general population (ExAC). Advanced modeling of protein sequence and biophysical properties (such as structural, functional, and spatial information, amino acid conservation, physicochemical variation, residue mobility, and thermodynamic stability) performed at Invitae indicates that this missense variant is expected to disrupt COL4A5 protein function. ClinVar contains an entry for this variant (Variation ID: 522413). This variant is not present in population databases (ExAC no frequency). This sequence change replaces glycine with serine at codon 896 of the COL4A5 protein (p.Gly896Ser). The glycine residue is highly conserved and there is a small physicochemical difference between glycine and serine.

Sydney Genome Diagnostics, Children's Hospital Westmead
Classification: Pathogenic for Alport syndrome. Last evaluated: 2018-10-24. Review status: no assertion criteria provided. Collection method: clinical testing. Allele origin: unknown. Affected: yes. Observed: 1 variant allele, 1 hemizygote. Not counted in ClinVar's aggregate classification.
Comment: To our knowledge, this variant has not been previously reported. This variant results in substitution of one of the invariant glycine residues in the triple helical domain of type I collagen, and is considered to be pathogenic.

Bioscientia Institut fuer Medizinische Diagnostik GmbH, Sonic Healthcare
Classification: Likely pathogenic for X-linked Alport syndrome. Last evaluated: 2017-09-18. Review status: no assertion criteria provided. Collection method: clinical testing. Allele origin: germline. Affected: yes. Not counted in ClinVar's aggregate classification.

Literature cited by the submitters: PubMed 28844315 (cited by Natera, Inc. and Labcorp Genetics (formerly Invitae), Labcorp); PubMed 7695699 (cited by Labcorp Genetics (formerly Invitae), Labcorp); PubMed 8218237 (cited by Labcorp Genetics (formerly Invitae), Labcorp); PubMed 19344236 (cited by Labcorp Genetics (formerly Invitae), Labcorp); PubMed 23720012 (cited by Labcorp Genetics (formerly Invitae), Labcorp); PubMed 27627812 (cited by Labcorp Genetics (formerly Invitae), Labcorp).